The following is an entry in ClinVar:

ClinVar aggregate classification (germline): Uncertain significance (1 of 4 stars; one submission).

Allele frequency attached by ClinVar (database versions not stated): gnomAD exomes below 0.00001.

Submission:

Ambry Genetics
Classification: Uncertain significance. Last evaluated: 2023-02-20. Review status: criteria provided, single submitter. Criteria: Ambry Variant Classification Scheme 2023. Collection method: clinical testing. Allele origin: germline.
Comment: The p.H1314R variant (also known as c.3941A>G), located in coding exon 4 of the ALPK2 gene, results from an A to G substitution at nucleotide position 3941. The histidine at codon 1314 is replaced by arginine, an amino acid with highly similar properties. This amino acid position is conserved. In addition, this alteration is predicted to be tolerated by in silico analysis. Since supporting evidence is limited at this time, the clinical significance of this alteration remains unclear.

NM_052947.4(ALPK2):c.3941A>G (p.His1314Arg)

Genes: ALPK2 (alpha kinase 2; minus strand), LOC126862764 (BRD4-independent group 4 enhancer GRCh37_chr18:56202574-56203773; plus strand). Cytogenetic location: 18q21.31.
Variant type: single nucleotide variant.
Coding change: c.3941A>G on transcript NM_052947.4 (MANE Select); coding-DNA position 3941, A replaced by G.
Protein change: p.His1314Arg; replaces histidine 1314 with arginine.
Molecular consequence: missense variant.
Genome position (GRCh38, 1-based): chr18:58,536,246, T>C on the plus strand (A>G on the coding strand, the complement: ALPK2 is on the minus strand). VCF-style: chr18-58536246-T-C. GRCh37 (hg19) VCF-style: chr18-56203478-T-C.
Other names: short protein forms H1314R.
Identifiers: ClinVar variation 2449286 (VCV002449286.2), dbSNP rs2518875696, ClinGen allele CA402565090.